The following is an entry in ClinVar:

NM_032043.3(BRIP1):c.2451T>G (p.Tyr817Ter)

Gene: BRIP1 (BRCA1 interacting DNA helicase 1; minus strand). Cytogenetic location: 17q23.2.
Variant type: single nucleotide variant.
Coding change: c.2451T>G on transcript NM_032043.3 (MANE Select); coding-DNA position 2451, T replaced by G.
Protein change: p.Tyr817Ter; replaces tyrosine 817 with a stop codon.
Molecular consequence: nonsense.
Genome position (GRCh38, 1-based): chr17:61,715,992, A>C on the plus strand (T>G on the coding strand, the complement: BRIP1 is on the minus strand). VCF-style: chr17-61715992-A-C. GRCh37 (hg19) VCF-style: chr17-59793353-A-C.
Other names: short protein forms Y817*.
Identifiers: ClinVar variation 4216288 (VCV004216288.1).

ClinVar aggregate classification (germline): Pathogenic (1 of 4 stars; one submission).

Conditions:
Hereditary cancer-predisposing syndrome. Also called: Hereditary Cancer Syndrome; Hereditary neoplastic syndrome; Neoplastic Syndromes, Hereditary; Tumor predisposition. Identifiers: Orphanet 140162, MedGen C0027672, MeSH D009386, MONDO:0015356.

Submission:

Ambry Genetics
Classification: Pathogenic for Hereditary cancer-predisposing syndrome. Last evaluated: 2025-09-08. Review status: criteria provided, single submitter. Criteria: Ambry Variant Classification Scheme 2023. Collection method: clinical testing. Allele origin: germline.
Comment: The p.Y817* pathogenic mutation (also known as c.2451T>G), located in coding exon 16 of the BRIP1 gene, results from a T to G substitution at nucleotide position 2451. This changes the amino acid from a tyrosine to a stop codon within coding exon 16. This variant is considered to be rare based on population cohorts in the Genome Aggregation Database (gnomAD). This alteration is expected to result in loss of function by premature protein truncation or nonsense-mediated mRNA decay. As such, this alteration is interpreted as a disease-causing mutation.